The following is an entry in ClinVar:

ClinVar aggregate classification (germline): Uncertain significance (1 of 4 stars; one submission).

Conditions:
Developmental and epileptic encephalopathy, 18 (DEE18). Also called: Early infantile epileptic encephalopathy 18. Identifiers: Orphanet 369894, MedGen C3809624, MONDO:0014201, OMIM 615476.

Submission:

Illumina Laboratory Services, Illumina
Classification: Uncertain significance for Developmental and epileptic encephalopathy, 18. Last evaluated: 2018-11-14. Review status: criteria provided, single submitter. Criteria: ICSLVariantClassificationCriteria RUGD 01 April 2020. Collection method: clinical testing. Allele origin: unknown.
Comment: The SZT2 c.5578T>G (p.Phe1860Val) variant is a missense variant. A literature search was performed for the gene, cDNA change, and amino acid change. No publications were found through this search. This variant is not observed in version 2.1.1 of the Genome Aggregation Database. Based on the limited evidence, the c.5578T>G (p.Phe1860Val) variant is classified as a variant of uncertain significance for developmental and epileptic encephalopathy.

NM_001365999.1(SZT2):c.5749T>G (p.Phe1917Val)

Gene: SZT2 (SZT2 subunit of KICSTOR complex; plus strand). Cytogenetic location: 1p34.2.
Variant type: single nucleotide variant.
Coding change: c.5749T>G on transcript NM_001365999.1 (MANE Select); coding-DNA position 5749, T replaced by G.
Protein change: p.Phe1917Val; replaces phenylalanine 1917 with valine.
Molecular consequence: missense variant.
Genome position (GRCh38, 1-based): chr1:43,433,135, T>G. VCF-style: chr1-43433135-T-G. GRCh37 (hg19) VCF-style: chr1-43898806-T-G.
Other names: c.5578T>G, p.Phe1860Val (NM_015284.4); short protein forms F1860V, F1917V.
Identifiers: ClinVar variation 3062059 (VCV003062059.1), dbSNP rs2545832903, ClinGen allele CA340026353.
Genomic context (GRCh38, chr1:43,433,135, plus strand): 5'-CCTGGGCCAGCACCTCCACAGCCTTCACTCTCAGGCCTCCCTGGGCCCTGCCTGCCTGAC[T>G]TCTGGCTCATTGTCCGGGTCCTGCAGGACCGTGTGGAAGTGTATGCACATGCACGGTAAG-3'
Protein context (NP_001352928.1, residues 1907-1927): SGLPGPCLPD[Phe1917Val]WLIVRVLQDR